The following is an entry in ClinVar:

ClinVar aggregate classification (germline): Likely benign. Review status: reviewed by expert panel (3 of 4 stars). 3 submissions from 3 submitters: Likely benign (1). 2 of the submissions do not count toward it. Last evaluated 2017-06-29.

Conditions:
Hereditary breast ovarian cancer syndrome. Also called: Hereditary breast and ovarian cancer; Hereditary breast and ovarian cancer syndrome; Breast and ovarian cancer; Hereditary breast and ovarian cancer syndrome (HBOC); Hereditary breast and/or ovarian cancer syndrome; BRCA1- and BRCA2-Associated Hereditary Breast and Ovarian Cancer. Identifiers: Orphanet 145, MedGen C0677776, MeSH D061325, MONDO:0003582. Disease mechanism: loss of function.
Hereditary cancer-predisposing syndrome. Also called: Hereditary Cancer Syndrome; Neoplastic Syndromes, Hereditary; Tumor predisposition; Hereditary neoplastic syndrome. Identifiers: Orphanet 140162, MedGen C0027672, MeSH D009386, MONDO:0015356.
Breast-ovarian cancer, familial, susceptibility to, 2 (BROVCA2). Also called: BRCA2 Hereditary Breast and Ovarian Cancer. Identifiers: Orphanet 145, MedGen C2675520, MONDO:0012933, OMIM 612555. Disease mechanism: loss of function.

Allele frequency attached by ClinVar (database versions not stated): gnomAD exomes below 0.00001.
gnomAD v4.1: 1 of 1,613,910 alleles (0.000062%); highest among the groups gnomAD compares: Non-Finnish European, 0.000085%; no homozygotes.

Submissions (3):

Evidence-based Network for the Interpretation of Germline Mutant Alleles (ENIGMA)
Classification: Likely benign for Breast-ovarian cancer, familial, susceptibility to, 2. Last evaluated: 2017-06-29. Review status: reviewed by expert panel. Criteria: ENIGMA BRCA1/2 Classification Criteria (2017-06-29). Collection method: curation. Allele origin: germline.
Comment: Synonymous substitution variant, with low bioinformatic likelihood to result in a splicing aberration (Splicing prior probability 0.02).

Labcorp Genetics (formerly Invitae), Labcorp
Classification: Likely benign for Hereditary breast ovarian cancer syndrome. Last evaluated: 2024-07-22. Review status: criteria provided, single submitter. Criteria: Invitae Variant Classification Sherloc (09022015). Collection method: clinical testing. Allele origin: germline. Not counted in ClinVar's aggregate classification.

Ambry Genetics
Classification: Likely benign for Hereditary cancer-predisposing syndrome. Last evaluated: 2022-02-03. Review status: criteria provided, single submitter. Criteria: Ambry Variant Classification Scheme 2023. Collection method: clinical testing. Allele origin: germline. Not counted in ClinVar's aggregate classification.

NM_000059.4(BRCA2):c.5394T>C (p.Asn1798=)

Gene: BRCA2 (BRCA2 DNA repair associated; plus strand). Cytogenetic location: 13q13.1.
Variant type: single nucleotide variant.
Coding change: c.5394T>C on transcript NM_000059.4 (MANE Select); coding-DNA position 5394, T replaced by C.
Protein change: p.Asn1798=; no amino-acid change (asparagine 1798 retained).
Molecular consequence: synonymous variant.
Genome position (GRCh38, 1-based): chr13:32,339,749, T>C. VCF-style: chr13-32339749-T-C. GRCh37 (hg19) VCF-style: chr13-32913886-T-C.
Identifiers: ClinVar variation 188430 (VCV000188430.13), dbSNP rs786204276, ClinGen allele CA022216.
Genomic context (GRCh38, chr13:32,339,749, plus strand): 5'-TGTTGAAGATCAAAAAAACACTAGTTTTTCCAAAGTAATATCCAATGTAAAAGATGCAAA[T>C]GCATACCCACAAACTGTAAATGAAGATATTTGCGTTGAGGAACTTGTGACTAGCTCTTCA-3'
Protein context (NP_000050.3, residues 1788-1808): SKVISNVKDA[Asn1798=]AYPQTVNEDI